The following is an entry in ClinVar:

NM_000540.3(RYR1):c.5807A>T (p.Lys1936Met)

Gene: RYR1 (ryanodine receptor 1; plus strand). Cytogenetic location: 19q13.2.
Variant type: single nucleotide variant.
Coding change: c.5807A>T on transcript NM_000540.3 (MANE Select); coding-DNA position 5807, A replaced by T.
Protein change: p.Lys1936Met; replaces lysine 1936 with methionine.
Molecular consequence: missense variant.
Genome position (GRCh38, 1-based): chr19:38,489,436, A>T. VCF-style: chr19-38489436-A-T. GRCh37 (hg19) VCF-style: chr19-38980076-A-T.
Other names: c.5807A>T, p.Lys1936Met (NM_001042723.2); short protein forms K1936M.
Identifiers: ClinVar variation 1425091 (VCV001425091.6), dbSNP rs2145559378, ClinGen allele CA405660149.

ClinVar aggregate classification (germline): Uncertain significance (1 of 4 stars; one submission).

Conditions:
RYR1-related disorder. Also called: RYR1-related condition; RYR1-related disorders. Identifiers: MedGen CN239331.

Submission:

Labcorp Genetics (formerly Invitae), Labcorp
Classification: Uncertain significance for RYR1-related disorder. Last evaluated: 2021-11-08. Review status: criteria provided, single submitter. Criteria: Invitae Variant Classification Sherloc (09022015). Collection method: clinical testing. Allele origin: germline.
Comment: In summary, the available evidence is currently insufficient to determine the role of this variant in disease. Therefore, it has been classified as a Variant of Uncertain Significance. Advanced modeling of protein sequence and biophysical properties (such as structural, functional, and spatial information, amino acid conservation, physicochemical variation, residue mobility, and thermodynamic stability) performed at Invitae indicates that this missense variant is expected to disrupt RYR1 protein function. This variant has not been reported in the literature in individuals affected with RYR1-related conditions. This variant is not present in population databases (gnomAD no frequency). This sequence change replaces lysine, which is basic and polar, with methionine, which is neutral and non-polar, at codon 1936 of the RYR1 protein (p.Lys1936Met).